The following is an entry in ClinVar:

ClinVar aggregate classification (germline): Uncertain significance. Review status: criteria provided, multiple submitters, no conflicts (2 of 4 stars). 2 submissions from 2 submitters: Uncertain significance (2). Last evaluated 2025-08-31.

Conditions:
Emery-Dreifuss muscular dystrophy 5, autosomal dominant (EDMD5). Also called: EMERY-DREIFUSS MUSCULAR DYSTROPHY 5. Identifiers: Orphanet 261, MedGen C2751805, MONDO:0013072, OMIM 612999.

Allele frequency attached by ClinVar (database versions not stated): ExAC 0.00004; gnomAD 0.00010 and 0.00012; 1000 Genomes Project 0.00020; 1000 Genomes Project 30x 0.00031.
gnomAD v4.1: 55 of 1,614,206 alleles (0.0034%); highest among the groups gnomAD compares: Middle Eastern, 0.049%; no homozygotes.

Submissions (2):

Labcorp Genetics (formerly Invitae), Labcorp
Classification: Uncertain significance for Emery-Dreifuss muscular dystrophy 5, autosomal dominant. Last evaluated: 2025-08-31. Review status: criteria provided, single submitter. Criteria: Invitae Variant Classification Sherloc (09022015). Collection method: clinical testing. Allele origin: germline.
Comment: This sequence change replaces methionine, which is neutral and non-polar, with leucine, which is neutral and non-polar, at codon 5885 of the SYNE2 protein (p.Met5885Leu). This variant is present in population databases (rs137866467, gnomAD 0.02%). This variant has not been reported in the literature in individuals affected with SYNE2-related conditions. ClinVar contains an entry for this variant (Variation ID: 1461268). An algorithm developed to predict the effect of missense changes on protein structure and function outputs the following: PolyPhen-2: "Benign". The leucine amino acid residue is found in multiple mammalian species, which suggests that this missense change does not adversely affect protein function. In summary, the available evidence is currently insufficient to determine the role of this variant in disease. Therefore, it has been classified as a Variant of Uncertain Significance.

Ambry Genetics
Classification: Uncertain significance. Last evaluated: 2024-09-26. Review status: criteria provided, single submitter. Criteria: Ambry Variant Classification Scheme 2023. Collection method: clinical testing. Allele origin: germline.

NM_182914.3(SYNE2):c.17653A>T (p.Met5885Leu)

Gene: SYNE2 (spectrin repeat containing nuclear envelope protein 2; plus strand). Cytogenetic location: 14q23.2.
Variant type: single nucleotide variant.
Coding change: c.17653A>T on transcript NM_182914.3 (MANE Select); coding-DNA position 17653, A replaced by T.
Protein change: p.Met5885Leu; replaces methionine 5885 with leucine.
Molecular consequence: missense variant.
Genome position (GRCh38, 1-based): chr14:64,186,520, A>T. VCF-style: chr14-64186520-A-T. GRCh37 (hg19) VCF-style: chr14-64653238-A-T.
Other names: c.17653A>T, p.Met5885Leu (NM_015180.6); c.17653A>T (NM_182914.2); short protein forms M5885L.
Identifiers: ClinVar variation 1461268 (VCV001461268.8), dbSNP rs137866467, ClinGen allele CA7223783.